The following is an entry in ClinVar:

ClinVar aggregate classification (germline): Pathogenic (1 of 4 stars; one submission).

Submission:

CeGaT Center for Human Genetics Tuebingen
Classification: Pathogenic. Last evaluated: 2025-08-01. Review status: criteria provided, single submitter. Criteria: CeGaT Center For Human Genetics Tuebingen Variant Classification Criteria Version 2. Collection method: clinical testing. Allele origin: germline. Affected: yes. Observed: 4 variant alleles.
Comment: NADSYN1: PVS1, PM2

NM_018161.5(NADSYN1):c.86-2A>C

Gene: NADSYN1 (NAD synthetase 1; plus strand). Cytogenetic location: 11q13.4.
Variant type: single nucleotide variant.
Coding change: c.86-2A>C on transcript NM_018161.5 (MANE Select); the canonical splice acceptor site of the intron before coding-DNA position 86, A replaced by C.
Molecular consequence: splice acceptor variant.
Genome position (GRCh38, 1-based): chr11:71,455,108, A>C. VCF-style: chr11-71455108-A-C. GRCh37 (hg19) VCF-style: chr11-71166154-A-C.
Identifiers: ClinVar variation 1176583 (VCV001176583.35), dbSNP rs2120383809, ClinGen allele CA381699517.